The following is an entry in ClinVar:

NM_001256789.3(CACNA1F):c.5612G>C (p.Gly1871Ala)

Gene: CACNA1F (calcium voltage-gated channel subunit alpha1 F; minus strand). Cytogenetic location: Xp11.23.
Variant type: single nucleotide variant.
Coding change: c.5612G>C on transcript NM_001256789.3 (MANE Select); coding-DNA position 5612, G replaced by C.
Protein change: p.Gly1871Ala; replaces glycine 1871 with alanine.
Molecular consequence: missense variant.
Genome position (GRCh38, 1-based): chrX:49,205,674, C>G on the plus strand (G>C on the coding strand, the complement: CACNA1F is on the minus strand). VCF-style: chrX-49205674-C-G. GRCh37 (hg19) VCF-style: chrX-49062134-C-G.
Other names: c.5450G>C, p.Gly1817Ala (NM_001256790.3); c.5645G>C, p.Gly1882Ala (NM_005183.4); short protein forms G1817A, G1871A, G1882A.
Identifiers: ClinVar variation 1044359 (VCV001044359.10), dbSNP rs1557104688, ClinGen allele CA412956986.
Genomic context (GRCh38, chrX:49,205,674, plus strand): 5'-ACAGCCTCCACCAAGCTGTCGGCACTGCCCCTCTTCCCATGGCTGGGGTCCGAGTGGGTT[C>G]CAGGCACGTGCAGACAGGTGAAGGTGCGCAGTGGGCCACTGGATCTGCCGAGGTACCCCT-3'
Protein context (NP_001243718.1, residues 1861-1881): LRTFTCLHVP[Gly1871Ala]THSDPSHGKR

ClinVar aggregate classification (germline): Uncertain significance (1 of 4 stars; one submission).

Allele frequency attached by ClinVar (database versions not stated): gnomAD 0.00001.
gnomAD v4.1: 1 of 1,203,345 alleles (0.000083%); highest among the groups gnomAD compares: African/African-American, 0.0018%; no homozygotes.

Submission:

Labcorp Genetics (formerly Invitae), Labcorp
Classification: Uncertain significance. Last evaluated: 2022-01-15. Review status: criteria provided, single submitter. Criteria: Invitae Variant Classification Sherloc (09022015). Collection method: clinical testing. Allele origin: germline.
Comment: ClinVar contains an entry for this variant (Variation ID: 1044359). This variant has not been reported in the literature in individuals affected with CACNA1F-related conditions. This variant is present in population databases (no rsID available, gnomAD 0.02%). This sequence change replaces glycine, which is neutral and non-polar, with alanine, which is neutral and non-polar, at codon 1882 of the CACNA1F protein (p.Gly1882Ala). Algorithms developed to predict the effect of missense changes on protein structure and function (SIFT, PolyPhen-2, Align-GVGD) all suggest that this variant is likely to be tolerated. In summary, the available evidence is currently insufficient to determine the role of this variant in disease. Therefore, it has been classified as a Variant of Uncertain Significance.